The following is an entry in ClinVar:

NM_006231.4(POLE):c.3416G>T (p.Ser1139Ile)

Gene: POLE (DNA polymerase epsilon, catalytic subunit; minus strand). Cytogenetic location: 12q24.33.
Variant type: single nucleotide variant.
Coding change: c.3416G>T on transcript NM_006231.4 (MANE Select); coding-DNA position 3416, G replaced by T.
Protein change: p.Ser1139Ile; replaces serine 1139 with isoleucine.
Molecular consequence: missense variant.
Genome position (GRCh38, 1-based): chr12:132,657,392, C>A on the plus strand (G>T on the coding strand, the complement: POLE is on the minus strand). VCF-style: chr12-132657392-C-A. GRCh37 (hg19) VCF-style: chr12-133233978-C-A.
Other names: short protein forms S1139I.
Identifiers: ClinVar variation 1731216 (VCV001731216.2), dbSNP rs2138659619, ClinGen allele CA387389468.

ClinVar aggregate classification (germline): Uncertain significance (1 of 4 stars; one submission).

Conditions:
Hereditary cancer-predisposing syndrome. Also called: Neoplastic Syndromes, Hereditary; Tumor predisposition; Hereditary Cancer Syndrome; Hereditary neoplastic syndrome. Identifiers: Orphanet 140162, MedGen C0027672, MeSH D009386, MONDO:0015356.

Submission:

Ambry Genetics
Classification: Uncertain significance for Hereditary cancer-predisposing syndrome. Last evaluated: 2022-10-20. Review status: criteria provided, single submitter. Criteria: Ambry Variant Classification Scheme 2023. Collection method: clinical testing. Allele origin: germline.
Comment: The p.S1139I variant (also known as c.3416G>T), located in coding exon 28 of the POLE gene, results from a G to T substitution at nucleotide position 3416. The serine at codon 1139 is replaced by isoleucine, an amino acid with dissimilar properties. This amino acid position is conserved. In addition, the in silico prediction for this alteration is inconclusive. Since supporting evidence is limited at this time, the clinical significance of this alteration remains unclear.